The following is an entry in ClinVar:

NC_000004.11:g.(?_151849648)_(151850237_?)del

Gene: LRBA (LPS responsive beige-like anchor protein; minus strand). Cytogenetic location: 4q31.3.
Variant type: Deletion.
Identifiers: ClinVar variation 2425635 (VCV002425635.4).

ClinVar aggregate classification (germline): Uncertain significance (1 of 4 stars; one submission).

Conditions:
Combined immunodeficiency due to LRBA deficiency. Also called: Common variable immunodeficiency 8, with autoimmunity. Identifiers: Orphanet 445018, MedGen C3553512, MONDO:0013863, OMIM 614700.

Submission:

Labcorp Genetics (formerly Invitae), Labcorp
Classification: Uncertain significance for Combined immunodeficiency due to LRBA deficiency. Last evaluated: 2022-10-18. Review status: criteria provided, single submitter. Criteria: Invitae Variant Classification Sherloc (09022015). Collection method: clinical testing. Allele origin: germline.
Comment: This variant has not been reported in the literature in individuals affected with LRBA-related conditions. In summary, the available evidence is currently insufficient to determine the role of this variant in disease. Therefore, it has been classified as a Variant of Uncertain Significance. Experimental studies and prediction algorithms are not available or were not evaluated, and the functional significance of this variant is currently unknown. This variant is a gross deletion of the genomic region encompassing exon(s) 3-4 of the LRBA gene. This variant would be expected to be in-frame, preserving the integrity of the reading frame.